The following is an entry in ClinVar:

NM_001098484.3(SLC4A4):c.*1228A>G

Gene: SLC4A4 (solute carrier family 4 member 4; plus strand). Cytogenetic location: 4q13.3.
Variant type: single nucleotide variant.
Coding change: c.*1228A>G on transcript NM_001098484.3 (MANE Select); 1228 bases downstream of the stop codon, A replaced by G.
Molecular consequence: 3 prime UTR variant.
Genome position (GRCh38, 1-based): chr4:71,568,979, A>G. VCF-style: chr4-71568979-A-G. GRCh37 (hg19) VCF-style: chr4-72434696-A-G.
Other names: c.*1086A>G (NM_001134742.2); c.*1228A>G (NM_003759.4).
Identifiers: ClinVar variation 349579 (VCV000349579.5), dbSNP rs116277651, ClinGen allele CA10618238.

ClinVar aggregate classification (germline): Likely benign (1 of 4 stars; one submission).

Conditions:
Autosomal recessive proximal renal tubular acidosis (PRTAO). Also called: RTA, PROXIMAL, AUTOSOMAL RECESSIVE; RENAL TUBULAR ACIDOSIS, PROXIMAL, WITH OCULAR ABNORMALITIES AND MENTAL RETARDATION; RENAL TUBULAR ACIDOSIS, PROXIMAL, WITH OCULAR ABNORMALITIES AND IMPAIRED INTELLECTUAL DEVELOPMENT; PROXIMAL RENAL TUBULAR ACIDOSIS-OCULAR ANOMALY SYNDROME. Identifiers: Orphanet 93607, MedGen C1970309, MONDO:0011422, OMIM 604278.

Allele frequency attached by ClinVar (database versions not stated): gnomAD 0.00251 and 0.00265; TOPMed 0.00275; 1000 Genomes Project 0.00319; 1000 Genomes Project 30x 0.00328.
gnomAD v4.1: 376 of 151,884 alleles (0.25%); highest among the groups gnomAD compares: African/African-American, 0.85%; 2 homozygotes.

Submission:

Illumina Laboratory Services, Illumina
Classification: Likely benign for Autosomal recessive proximal renal tubular acidosis. Last evaluated: 2018-01-13. Review status: criteria provided, single submitter. Criteria: ICSL Variant Classification Criteria 13 December 2019. Collection method: clinical testing. Allele origin: germline.
Comment: This variant was observed in the ICSL laboratory as part of a predisposition screen in an ostensibly healthy population. It had not been previously curated by ICSL or reported in the Human Gene Mutation Database (HGMD: prior to June 1st, 2018), and was therefore a candidate for classification through an automated scoring system. Utilizing variant allele frequency, disease prevalence and penetrance estimates, and inheritance mode, an automated score was calculated to assess if this variant is too frequent to cause the disease. Based on the score and internal cut-off values, a variant classified as likely benign is not then subjected to further curation. The score for this variant resulted in a classification of likely benign for this disease.